The following is an entry in ClinVar:

NM_001903.5(CTNNA1):c.1846C>T (p.Arg616Cys)

Gene: CTNNA1 (catenin alpha 1; plus strand). Cytogenetic location: 5q31.2.
Variant type: single nucleotide variant.
Coding change: c.1846C>T on transcript NM_001903.5 (MANE Select); coding-DNA position 1846, C replaced by T.
Protein change: p.Arg616Cys; replaces arginine 616 with cysteine.
Molecular consequence: missense variant.
Genome position (GRCh38, 1-based): chr5:138,925,354, C>T. VCF-style: chr5-138925354-C-T. GRCh37 (hg19) VCF-style: chr5-138261043-C-T.
Other names: c.1846C>T, p.Arg616Cys (NM_001290307.3, NM_001323982.2, NM_001323983.1 and 2 more transcripts); c.1537C>T, p.Arg513Cys (NM_001290309.3); c.1477C>T, p.Arg493Cys (NM_001290310.3); c.736C>T, p.Arg246Cys (NM_001290312.1, NM_001323987.1, NM_001323988.1 and 17 more transcripts); c.1753C>T, p.Arg585Cys (NM_001323986.2); c.397C>T, p.Arg133Cys (NM_001324006.1, NM_001324007.1, NM_001324008.1 and 2 more transcripts); c.643C>T, p.Arg215Cys (NM_001324011.1); c.493C>T, p.Arg165Cys (NM_001324012.1, NM_001324013.1); short protein forms R133C, R165C, R215C, R246C, R493C, R513C, R585C, R616C.
Identifiers: ClinVar variation 1055600 (VCV001055600.12), dbSNP rs760220853, ClinGen allele CA3432046.

ClinVar aggregate classification (germline): Uncertain significance. Review status: criteria provided, multiple submitters, no conflicts (2 of 4 stars). 2 submissions from 2 submitters: Uncertain significance (2). Last evaluated 2026-01-11.

Conditions:
Hereditary cancer-predisposing syndrome. Also called: Hereditary Cancer Syndrome; Tumor predisposition; Hereditary neoplastic syndrome; Neoplastic Syndromes, Hereditary. Identifiers: Orphanet 140162, MedGen C0027672, MeSH D009386, MONDO:0015356.

Allele frequency attached by ClinVar (database versions not stated): gnomAD exomes below 0.00001; ExAC 0.00001; gnomAD 0.00001.
gnomAD v4.1: 5 of 1,614,018 alleles (0.00031%); highest among the groups gnomAD compares: Admixed American, 0.0017%; no homozygotes.

Submissions (2):

Labcorp Genetics (formerly Invitae), Labcorp
Classification: Uncertain significance. Last evaluated: 2026-01-11. Review status: criteria provided, single submitter. Criteria: Invitae Variant Classification Sherloc (09022015). Collection method: clinical testing. Allele origin: germline.
Comment: This sequence change replaces arginine, which is basic and polar, with cysteine, which is neutral and slightly polar, at codon 616 of the CTNNA1 protein (p.Arg616Cys). This variant is present in population databases (rs760220853, gnomAD 0.005%). This variant has not been reported in the literature in individuals affected with CTNNA1-related conditions. ClinVar contains an entry for this variant (Variation ID: 1055600). Invitae Evidence Modeling of protein sequence and biophysical properties (such as structural, functional, and spatial information, amino acid conservation, physicochemical variation, residue mobility, and thermodynamic stability) indicates that this missense variant is not expected to disrupt CTNNA1 protein function with a negative predictive value of 80%. In summary, the available evidence is currently insufficient to determine the role of this variant in disease. Therefore, it has been classified as a Variant of Uncertain Significance.

Ambry Genetics
Classification: Uncertain significance for Hereditary cancer-predisposing syndrome. Last evaluated: 2024-07-16. Review status: criteria provided, single submitter. Criteria: Ambry Variant Classification Scheme 2023. Collection method: clinical testing. Allele origin: germline.
Comment: The p.R616C variant (also known as c.1846C>T), located in coding exon 12 of the CTNNA1 gene, results from a C to T substitution at nucleotide position 1846. The arginine at codon 616 is replaced by cysteine, an amino acid with highly dissimilar properties. This amino acid position is conserved. In addition, the in silico prediction for this alteration is inconclusive. The evidence for this gene-disease relationship is limited; therefore, the clinical significance of this alteration is unclear.